The following is an entry in ClinVar:

NM_018139.3(DNAAF2):c.2092A>G (p.Ile698Val)

Gene: DNAAF2 (dynein axonemal assembly factor 2; minus strand). Cytogenetic location: 14q21.3.
Variant type: single nucleotide variant.
Coding change: c.2092A>G on transcript NM_018139.3 (MANE Select); coding-DNA position 2092, A replaced by G.
Protein change: p.Ile698Val; replaces isoleucine 698 with valine.
Molecular consequence: missense variant. On other transcripts: 5 prime UTR variant (1).
Genome position (GRCh38, 1-based): chr14:49,625,964, T>C on the plus strand (A>G on the coding strand, the complement: DNAAF2 is on the minus strand). VCF-style: chr14-49625964-T-C. GRCh37 (hg19) VCF-style: chr14-50092682-T-C.
Other names: c.1948A>G, p.Ile650Val (NM_001083908.2); c.-120A>G (NM_001378453.1); short protein forms I698V, I650V.
Identifiers: ClinVar variation 2911085 (VCV002911085.3), dbSNP rs1224909457, ClinGen allele CA389624193.

ClinVar aggregate classification (germline): Uncertain significance (1 of 4 stars; one submission).

Conditions:
Primary ciliary dyskinesia. Also called: Ciliary dyskinesia. Identifiers: Orphanet 244, MedGen C0008780, MONDO:0016575, HP:0012265.

Allele frequency attached by ClinVar (database versions not stated): gnomAD exomes below 0.00001; gnomAD 0.00001.
gnomAD v4.1: 2 of 1,606,480 alleles (0.00012%); highest among the groups gnomAD compares: Non-Finnish European, 0.00017%; no homozygotes.

Submission:

Labcorp Genetics (formerly Invitae), Labcorp
Classification: Uncertain significance for Primary ciliary dyskinesia. Last evaluated: 2024-10-21. Review status: criteria provided, single submitter. Criteria: Invitae Variant Classification Sherloc (09022015). Collection method: clinical testing. Allele origin: germline.
Comment: This sequence change replaces isoleucine, which is neutral and non-polar, with valine, which is neutral and non-polar, at codon 698 of the DNAAF2 protein (p.Ile698Val). The frequency data for this variant in the population databases is considered unreliable, as metrics indicate poor data quality at this position in the gnomAD database. This variant has not been reported in the literature in individuals affected with DNAAF2-related conditions. Invitae Evidence Modeling of protein sequence and biophysical properties (such as structural, functional, and spatial information, amino acid conservation, physicochemical variation, residue mobility, and thermodynamic stability) indicates that this missense variant is not expected to disrupt DNAAF2 protein function with a negative predictive value of 80%. In summary, the available evidence is currently insufficient to determine the role of this variant in disease. Therefore, it has been classified as a Variant of Uncertain Significance.